The following is an entry in ClinVar:

ClinVar aggregate classification (germline): Uncertain significance (1 of 4 stars; one submission).

Submission:

Women's Health and Genetics/Laboratory Corporation of America, LabCorp
Classification: Uncertain significance. Last evaluated: 2022-12-23. Review status: criteria provided, single submitter. Criteria: LabCorp Variant Classification Summary - May 2015. Collection method: clinical testing. Allele origin: germline.
Comment: Variant summary: HGSNAT c.1907G>T (p.X636LeuextX12) changes the termination codon and is predicted to lead to an extended protein with additional amino acids added to the normal C-terminus. HGSNAT c.1907G>T (p.X636LeuextX12) causes a frameshift which results in an extension of the protein. The variant was absent in 191390 control chromosomes (gnomAD). The available data on variant occurrences in the general population are insufficient to allow any conclusion about variant significance. To our knowledge, no occurrence of c.1907G>T in individuals affected with HGSNAT-Related Disorders and no experimental evidence demonstrating its impact on protein function have been reported. Another variant causing a similar extension of the HGSNAT protein (c.1908A>G, p.X636TrpextX12) was reported through whole exome sequencing analysis to segregate with disease in three compound heterozygous siblings affected with nonsyndromic retinitis pigmentosa (PMID 32347150). This report provides some evidence that the variant of interest may be associated with disease. No clinical diagnostic laboratories have submitted clinical-significance assessments for this variant to ClinVar after 2014. Based on the evidence outlined above, the variant was classified as VUS-possibly pathogenic.

NM_152419.3(HGSNAT):c.1907G>T (p.Ter636Leu)

Gene: HGSNAT (heparan-alpha-glucosaminide N-acetyltransferase; plus strand). Cytogenetic location: 8p11.21.
Variant type: single nucleotide variant.
Coding change: c.1907G>T on transcript NM_152419.3 (MANE Select); coding-DNA position 1907, G replaced by T.
Protein change: p.Ter636Leu.
Molecular consequence: stop lost.
Genome position (GRCh38, 1-based): chr8:43,199,568, G>T. VCF-style: chr8-43199568-G-T. GRCh37 (hg19) VCF-style: chr8-43054711-G-T.
Other names: c.1994G>T, p.Ter665Leu (NM_001363227.2); c.1715G>T, p.Ter572Leu (NM_001363228.2); c.1043G>T, p.Ter348Leu (NM_001363229.2).
Identifiers: ClinVar variation 1878375 (VCV001878375.1), dbSNP rs1804852687, ClinGen allele CA371121901.
Genomic context (GRCh38, chr8:43,199,568, plus strand): 5'-CTGCCCTCTGGGTGCTCATTGCCTACATCCTCTATAGAAAGAAGATTTTTTGGAAAATCT[G>T]ATGGCTCCCACTGAGATGTGCTGCTGGAAGACTCTAGTAGGCCTGCAGGGAGGACTGAAG-3'